The following is an entry in ClinVar:

ClinVar aggregate classification (germline): Uncertain significance (1 of 4 stars; one submission).

Allele frequency attached by ClinVar (database versions not stated): gnomAD exomes below 0.00001.
gnomAD v4.1: 6 of 1,614,028 alleles (0.00037%); highest among the groups gnomAD compares: Non-Finnish European, 0.00051%; no homozygotes.

Submission:

Labcorp Genetics (formerly Invitae), Labcorp
Classification: Uncertain significance. Last evaluated: 2022-03-25. Review status: criteria provided, single submitter. Criteria: Invitae Variant Classification Sherloc (09022015). Collection method: clinical testing. Allele origin: germline.
Comment: In summary, the available evidence is currently insufficient to determine the role of this variant in disease. Therefore, it has been classified as a Variant of Uncertain Significance. Variants that disrupt the consensus splice site are a relatively common cause of aberrant splicing (PMID: 17576681, 9536098). Algorithms developed to predict the effect of sequence changes on RNA splicing suggest that this variant is not likely to affect RNA splicing. This variant has not been reported in the literature in individuals affected with ABCA1-related conditions. This variant is present in population databases (no rsID available, gnomAD 0.0009%). This sequence change falls in intron 9 of the ABCA1 gene. It does not directly change the encoded amino acid sequence of the ABCA1 protein. It affects a nucleotide within the consensus splice site.

Literature cited by the submitters: PubMed 17576681; PubMed 9536098.

NM_005502.4(ABCA1):c.1055-3T>C

Gene: ABCA1 (ATP binding cassette subfamily A member 1; minus strand). Cytogenetic location: 9q31.1.
Variant type: single nucleotide variant.
Coding change: c.1055-3T>C on transcript NM_005502.4 (MANE Select); 3 bases into the intron before coding-DNA position 1055, T replaced by C.
Molecular consequence: intron variant.
Genome position (GRCh38, 1-based): chr9:104,837,570, A>G on the plus strand (T>C on the coding strand, the complement: ABCA1 is on the minus strand). VCF-style: chr9-104837570-A-G. GRCh37 (hg19) VCF-style: chr9-107599851-A-G.
Identifiers: ClinVar variation 2116759 (VCV002116759.2), dbSNP rs1226690330, ClinGen allele CA589842209.